The following is an entry in ClinVar:

ClinVar aggregate classification (germline): Uncertain significance (1 of 4 stars; one submission).

Conditions:
Inborn genetic diseases. Identifiers: MedGen C0950123, MeSH D030342.

gnomAD v4.1: 1 of 1,614,070 alleles (0.000062%); highest among the groups gnomAD compares: Admixed American, 0.0017%; no homozygotes.

Submission:

Ambry Genetics
Classification: Uncertain significance for Inborn genetic diseases. Last evaluated: 2026-08-05. Review status: criteria provided, single submitter. Criteria: Ambry Variant Classification Scheme 2023. Collection method: clinical testing. Allele origin: germline.
Comment: The c.4944T>A (p.D1648E) alteration is located in exon 21 (coding exon 21) of the MED13L gene. This alteration results from a T to A substitution at nucleotide position 4944, causing the aspartic acid (D) at amino acid position 1648 to be replaced by a glutamic acid (E). Based on data from gnomAD, the A allele has an overall frequency of <0.001% (1/250868) total alleles studied. The highest observed frequency was 0.003% (1/34578) of Latino alleles. Based on insufficient or conflicting evidence, the clinical significance of this alteration remains unclear.

NM_015335.5(MED13L):c.4944T>A (p.Asp1648Glu)

Gene: MED13L (mediator complex subunit 13L; minus strand). Cytogenetic location: 12q24.21.
Variant type: single nucleotide variant.
Coding change: c.4944T>A on transcript NM_015335.5 (MANE Select); coding-DNA position 4944, T replaced by A.
Protein change: p.Asp1648Glu; replaces aspartic acid 1648 with glutamic acid.
Molecular consequence: missense variant.
Genome position (GRCh38, 1-based): chr12:115,983,128, A>T on the plus strand (T>A on the coding strand, the complement: MED13L is on the minus strand). VCF-style: chr12-115983128-A-T. GRCh37 (hg19) VCF-style: chr12-116420933-A-T.
Other names: short protein forms D1648E.
Identifiers: ClinVar variation 5024255 (VCV005024255.1).